The following is an entry in ClinVar:

NM_001658.4(ARF1):c.157G>C (p.Val53Leu)

Genes: ARF1 (ARF GTPase 1; plus strand), LOC126806039 (CDK7 strongly-dependent group 2 enhancer GRCh37_chr1:228284937-228286136; plus strand). Cytogenetic location: 1q42.13.
Variant type: single nucleotide variant.
Coding change: c.157G>C on transcript NM_001658.4 (MANE Select); coding-DNA position 157, G replaced by C.
Protein change: p.Val53Leu; replaces valine 53 with leucine.
Molecular consequence: missense variant.
Genome position (GRCh38, 1-based): chr1:228,097,350, G>C. VCF-style: chr1-228097350-G-C. GRCh37 (hg19) VCF-style: chr1-228285051-G-C.
Other names: c.157G>C, p.Val53Leu (NM_001024226.2, NM_001024227.1, NM_001024228.2); short protein forms V53L.
Identifiers: ClinVar variation 5010015 (VCV005010015.1).

ClinVar aggregate classification (germline): Uncertain significance (1 of 4 stars; one submission).

Submission:

GeneDx
Classification: Uncertain significance. Last evaluated: 2026-02-23. Review status: criteria provided, single submitter. Criteria: GeneDx Variant Classification Process June 2021. Collection method: clinical testing. Allele origin: germline.
Comment: Not observed at significant frequency in large population cohorts (gnomAD); In silico analysis supports that this missense variant has a deleterious effect on protein structure/function; Has not been previously published as pathogenic or benign to our knowledge